The following is an entry in ClinVar:

ClinVar aggregate classification (germline): Uncertain significance (1 of 4 stars; one submission).

Conditions:
COG7 congenital disorder of glycosylation (CDG2E). Also called: CONGENITAL DISORDER OF GLYCOSYLATION, TYPE IIe; CDG IIe. Identifiers: Orphanet 79333, MedGen C2931010, MONDO:0012118, OMIM 608779.

gnomAD v4.1: 1 of 1,614,222 alleles (0.000062%); no homozygotes.

Submission:

Labcorp Genetics (formerly Invitae), Labcorp
Classification: Uncertain significance for COG7 congenital disorder of glycosylation. Last evaluated: 2023-08-10. Review status: criteria provided, single submitter. Criteria: Invitae Variant Classification Sherloc (09022015). Collection method: clinical testing. Allele origin: germline.
Comment: This sequence change replaces leucine, which is neutral and non-polar, with valine, which is neutral and non-polar, at codon 421 of the COG7 protein (p.Leu421Val). This variant is not present in population databases (gnomAD no frequency). This variant has not been reported in the literature in individuals affected with COG7-related conditions. ClinVar contains an entry for this variant (Variation ID: 648813). Advanced modeling of protein sequence and biophysical properties (such as structural, functional, and spatial information, amino acid conservation, physicochemical variation, residue mobility, and thermodynamic stability) performed at Invitae indicates that this missense variant is expected to disrupt COG7 protein function. In summary, the available evidence is currently insufficient to determine the role of this variant in disease. Therefore, it has been classified as a Variant of Uncertain Significance.

NM_153603.4(COG7):c.1261C>G (p.Leu421Val)

Gene: COG7 (component of oligomeric golgi complex 7; minus strand). Cytogenetic location: 16p12.2.
Variant type: single nucleotide variant.
Coding change: c.1261C>G on transcript NM_153603.4 (MANE Select); coding-DNA position 1261, C replaced by G.
Protein change: p.Leu421Val; replaces leucine 421 with valine.
Molecular consequence: missense variant.
Genome position (GRCh38, 1-based): chr16:23,416,998, G>C on the plus strand (C>G on the coding strand, the complement: COG7 is on the minus strand). VCF-style: chr16-23416998-G-C. GRCh37 (hg19) VCF-style: chr16-23428319-G-C.
Other names: short protein forms L421V.
Identifiers: ClinVar variation 648813 (VCV000648813.10), dbSNP rs1596929657, ClinGen allele CA395119573.